The following is an entry in ClinVar:

NM_014244.5(ADAMTS2):c.732_733delinsTA (p.Val245Ile)

Gene: ADAMTS2 (ADAM metallopeptidase with thrombospondin type 1 motif 2; minus strand). Cytogenetic location: 5q35.3.
Variant type: Indel.
Coding change: c.732_733delinsTA on transcript NM_014244.5 (MANE Select); coding-DNA positions 732 to 733, CG replaced by TA.
Protein change: p.Val245Ile; replaces valine 245 with isoleucine.
Molecular consequence: missense variant.
Genome position (GRCh38, 1-based): chr5:179,207,671-179,207,672, CG replaced by TA on the plus strand (CG replaced by TA on the coding strand, the reverse complement: ADAMTS2 is on the minus strand). VCF-style: chr5-179207671-CG-TA. GRCh37 (hg19) VCF-style: chr5-178634672-CG-TA.
Other names: c.732_733delinsTA, p.Val245Ile (NM_021599.4); short protein forms V245I.
Identifiers: ClinVar variation 2166076 (VCV002166076.1), dbSNP rs2480416220, ClinGen allele CA2580074105.

ClinVar aggregate classification (germline): Uncertain significance (1 of 4 stars; one submission).

Conditions:
Ehlers-Danlos syndrome, dermatosparaxis type. Also called: Dermatosparaxis; Ehlers-Danlos syndrome, type VII, autosomal recessive; EDS VIIC. Identifiers: Orphanet 1901, MedGen C2700425, MONDO:0009161, OMIM 225410.

Submission:

Labcorp Genetics (formerly Invitae), Labcorp
Classification: Uncertain significance for Ehlers-Danlos syndrome, dermatosparaxis type. Last evaluated: 2022-04-10. Review status: criteria provided, single submitter. Criteria: Invitae Variant Classification Sherloc (09022015). Collection method: clinical testing. Allele origin: germline.
Comment: This sequence change replaces valine, which is neutral and non-polar, with isoleucine, which is neutral and non-polar, at codon 245 of the ADAMTS2 protein (p.Val245Ile). Information on the frequency of this variant in the gnomAD database is not available, as this variant may be reported differently in the database. This variant has not been reported in the literature in individuals affected with ADAMTS2-related conditions. Experimental studies and prediction algorithms are not available or were not evaluated, and the functional significance of this variant is currently unknown. In summary, the available evidence is currently insufficient to determine the role of this variant in disease. Therefore, it has been classified as a Variant of Uncertain Significance.